The following is an entry in ClinVar:

NM_032638.5(GATA2):c.1410_1411delinsAA (p.His471Asn)

Gene: GATA2 (GATA binding protein 2; minus strand). Cytogenetic location: 3q21.3.
Variant type: Indel.
Coding change: c.1410_1411delinsAA on transcript NM_032638.5 (MANE Select); coding-DNA positions 1410 to 1411, CC replaced by AA.
Protein change: p.His471Asn; replaces histidine 471 with asparagine.
Molecular consequence: missense variant.
Genome position (GRCh38, 1-based): chr3:128,481,051-128,481,052, GG replaced by TT on the plus strand (CC replaced by AA on the coding strand, the reverse complement: GATA2 is on the minus strand). VCF-style: chr3-128481051-GG-TT. GRCh37 (hg19) VCF-style: chr3-128199894-GG-TT.
Other names: c.1410_1411delinsAA, p.His471Asn (NM_001145661.2); c.1368_1369delinsAA, p.His457Asn (NM_001145662.1); short protein forms H471N, H457N.
Identifiers: ClinVar variation 2183238 (VCV002183238.4), dbSNP rs2472918173, ClinGen allele CA2580068689.

ClinVar aggregate classification (germline): Uncertain significance (1 of 4 stars; one submission).

Conditions:
Monocytopenia with susceptibility to infections. Also called: MONOCYTOPENIA AND MYCOBACTERIAL INFECTION SYNDROME; MONOCYTOPENIA WITH SUSCEPTIBILITY TO MYCOBACTERIAL, FUNGAL, AND PAPILLOMAVIRUS INFECTIONS AND MYELODYSPLASIA; COMBINED IMMUNODEFICIENCY WITH SUSCEPTIBILITY TO MYCOBACTERIAL, VIRAL, AND FUNGAL INFECTIONS; Dendritic cell, monocyte, B lymphocyte, and natural killer lymphocyte deficiency; IMMUNODEFICIENCY 21; GATA2 DEFICIENCY. Identifiers: Orphanet 228423, MedGen C3280030, MONDO:0013607, OMIM 614172.
Deafness-lymphedema-leukemia syndrome. Also called: Lymphedema, primary, with myelodysplasia; Emberger syndrome. Identifiers: Orphanet 3226, MedGen C3279664, MONDO:0013540, OMIM 614038.

Submission:

Labcorp Genetics (formerly Invitae), Labcorp
Classification: Uncertain significance for Monocytopenia with susceptibility to infections; Deafness-lymphedema-leukemia syndrome. Last evaluated: 2022-07-17. Review status: criteria provided, single submitter. Criteria: Invitae Variant Classification Sherloc (09022015). Collection method: clinical testing. Allele origin: germline.
Comment: In summary, the available evidence is currently insufficient to determine the role of this variant in disease. Therefore, it has been classified as a Variant of Uncertain Significance. Experimental studies and prediction algorithms are not available or were not evaluated, and the functional significance of this variant is currently unknown. This variant has not been reported in the literature in individuals affected with GATA2-related conditions. Information on the frequency of this variant in the gnomAD database is not available, as this variant may be reported differently in the database. This variant, c.1410_1411delinsAA, is a complex sequence change that results in the deletion of 1 and insertion of 1 amino acid(s) in the GATA2 protein (p.His471Asn).